The following is an entry in ClinVar:

NM_000308.4(CTSA):c.-1+6C>A

Gene: CTSA (cathepsin A; plus strand). Cytogenetic location: 20q13.12.
Variant type: single nucleotide variant.
Coding change: c.-1+6C>A on transcript NM_000308.4 (MANE Select); 6 bases into the intron after 1 bases upstream of the start codon, C replaced by A.
Molecular consequence: intron variant. On other transcripts: 5 prime UTR variant (1).
Genome position (GRCh38, 1-based): chr20:45,891,385, C>A. VCF-style: chr20-45891385-C-A. GRCh37 (hg19) VCF-style: chr20-44520024-C-A.
Other names: c.-41C>A (NM_001127695.3); c.-1+6C>A (NM_001167594.3).
Identifiers: ClinVar variation 1352093 (VCV001352093.5), dbSNP rs1164857603, ClinGen allele CA510637925.

ClinVar aggregate classification (germline): Uncertain significance (1 of 4 stars; one submission).

Conditions:
Combined deficiency of sialidase AND beta galactosidase (GSL). Also called: CATHEPSIN A DEFICIENCY; GOLDBERG SYNDROME; Galactosialidosis; NEURAMINIDASE DEFICIENCY WITH BETA-GALACTOSIDASE DEFICIENCY; NEURAMINIDASE/BETA-GALACTOSIDASE EXPRESSION; PPCA DEFICIENCY. Identifiers: Orphanet 351, MedGen C0268233, MONDO:0009737, OMIM 256540.

gnomAD v4.1: 9 of 1,570,138 alleles (0.00057%); highest among the groups gnomAD compares: Non-Finnish European, 0.00078%; no homozygotes.

Submission:

Labcorp Genetics (formerly Invitae), Labcorp
Classification: Uncertain significance for Combined deficiency of sialidase AND beta galactosidase. Last evaluated: 2024-10-07. Review status: criteria provided, single submitter. Criteria: Invitae Variant Classification Sherloc (09022015). Collection method: clinical testing. Allele origin: germline.
Comment: This sequence change falls in intron 1 of the CTSA gene. It does not directly change the encoded amino acid sequence of the CTSA protein. It affects a nucleotide within the consensus splice site. The frequency data for this variant in the population databases is considered unreliable, as metrics indicate poor data quality at this position in the gnomAD database. This variant has not been reported in the literature in individuals affected with CTSA-related conditions. ClinVar contains an entry for this variant (Variation ID: 1352093). Variants that disrupt the consensus splice site are a relatively common cause of aberrant splicing (PMID: 17576681, 9536098). Algorithms developed to predict the effect of sequence changes on RNA splicing suggest that this variant is not likely to affect RNA splicing. In summary, the available evidence is currently insufficient to determine the role of this variant in disease. Therefore, it has been classified as a Variant of Uncertain Significance.

Literature cited by the submitters: PubMed 17576681; PubMed 9536098.